The following is an entry in ClinVar:

NM_001113378.2(FANCI):c.2481A>T (p.Glu827Asp)

Gene: FANCI (FA complementation group I; plus strand). Cytogenetic location: 15q26.1.
Variant type: single nucleotide variant.
Coding change: c.2481A>T on transcript NM_001113378.2 (MANE Select); coding-DNA position 2481, A replaced by T.
Protein change: p.Glu827Asp; replaces glutamic acid 827 with aspartic acid.
Molecular consequence: missense variant. On other transcripts: intron variant (1).
Genome position (GRCh38, 1-based): chr15:89,294,939, A>T. VCF-style: chr15-89294939-A-T. GRCh37 (hg19) VCF-style: chr15-89838170-A-T.
Other names: c.2202A>T, p.Glu734Asp (NM_001376910.1); c.2481A>T, p.Glu827Asp (NM_001376911.1); c.2456+942A>T (NM_018193.3); short protein forms E827D, E734D.
Identifiers: ClinVar variation 435159 (VCV000435159.14), dbSNP rs879531765, ClinGen allele CA274577501.

ClinVar aggregate classification (germline): Uncertain significance. Review status: criteria provided, multiple submitters, no conflicts (2 of 4 stars). 2 submissions from 2 submitters: Uncertain significance (2). Last evaluated 2025-12-07.

Conditions:
Fanconi anemia (FA). Also called: Fanconi's anemia. Identifiers: Orphanet 84, MedGen C0015625, MeSH D005199, MONDO:0019391.

Allele frequency attached by ClinVar (database versions not stated): gnomAD 0.00001; gnomAD exomes 0.00001; TOPMed 0.00001.
gnomAD v4.1: 15 of 1,552,210 alleles (0.00097%); highest among the groups gnomAD compares: Non-Finnish European, 0.0013%; no homozygotes.

Submissions (2):

Labcorp Genetics (formerly Invitae), Labcorp
Classification: Uncertain significance for Fanconi anemia. Last evaluated: 2025-12-07. Review status: criteria provided, single submitter. Criteria: Invitae Variant Classification Sherloc (09022015). Collection method: clinical testing. Allele origin: germline.
Comment: This sequence change replaces glutamic acid, which is acidic and polar, with aspartic acid, which is acidic and polar, at codon 827 of the FANCI protein (p.Glu827Asp). This variant is present in population databases (no rsID available, gnomAD 0.002%). This variant has not been reported in the literature in individuals affected with FANCI-related conditions. ClinVar contains an entry for this variant (Variation ID: 435159). An algorithm developed to predict the effect of missense changes on protein structure and function (PolyPhen-2) suggests that this variant is likely to be disruptive. In summary, the available evidence is currently insufficient to determine the role of this variant in disease. Therefore, it has been classified as a Variant of Uncertain Significance.

Genetic Services Laboratory, University of Chicago
Classification: Uncertain significance. Last evaluated: 2017-01-19. Review status: criteria provided, single submitter. Criteria: ACMG Guidelines, 2015. Collection method: clinical testing. Allele origin: germline. Affected: no.